The following is an entry in ClinVar:

NM_001376.5(DYNC1H1):c.5294C>T (p.Ala1765Val)

Gene: DYNC1H1 (dynein cytoplasmic 1 heavy chain 1; plus strand). Cytogenetic location: 14q32.31.
Variant type: single nucleotide variant.
Coding change: c.5294C>T on transcript NM_001376.5 (MANE Select); coding-DNA position 5294, C replaced by T.
Protein change: p.Ala1765Val; replaces alanine 1765 with valine.
Molecular consequence: missense variant.
Genome position (GRCh38, 1-based): chr14:102,005,097, C>T. VCF-style: chr14-102005097-C-T. GRCh37 (hg19) VCF-style: chr14-102471434-C-T.
Other names: short protein forms A1765V.
Identifiers: ClinVar variation 426673 (VCV000426673.18), dbSNP rs150687712, ClinGen allele CA7352393.

ClinVar aggregate classification (germline): Benign/Likely benign. Review status: criteria provided, multiple submitters, no conflicts (2 of 4 stars). 4 submissions from 4 submitters: Benign (2); Likely benign (1). 1 of the submissions does not count toward it. Last evaluated 2026-01-15.

Conditions:
DYNC1H1-related disorder. Also called: DYNC1H1-related condition; DYNC1H1-related disorders. Identifiers: MedGen CN381529.
Inborn genetic diseases. Identifiers: MedGen C0950123, MeSH D030342.
Charcot-Marie-Tooth disease axonal type 2O. Also called: Charcot-Marie-Tooth Neuropathy Type 2O; CHARCOT-MARIE-TOOTH NEUROPATHY, AXONAL, TYPE 2O; CHARCOT-MARIE-TOOTH DISEASE, AXONAL, AUTOSOMAL DOMINANT, TYPE 2O; Charcot-Marie-Tooth disease, axonal, type 20. Identifiers: Orphanet 284232, MedGen C3280220, MONDO:0013644, OMIM 614228.

Allele frequency attached by ClinVar (database versions not stated): gnomAD exomes 0.00005 and 0.00014; ExAC 0.00015; gnomAD 0.00050 and 0.00058; 1000 Genomes Project 0.00060; 1000 Genomes Project 30x 0.00062; TOPMed 0.00062; ESP Exome Variant Server 0.00069.
gnomAD v4.1: 152 of 1,614,224 alleles (0.0094%); highest among the groups gnomAD compares: African/African-American, 0.16%; no homozygotes.

Submissions (4):

Labcorp Genetics (formerly Invitae), Labcorp
Classification: Likely benign for Charcot-Marie-Tooth disease axonal type 2O. Last evaluated: 2026-01-15. Review status: criteria provided, single submitter. Criteria: Invitae Variant Classification Sherloc (09022015). Collection method: clinical testing. Allele origin: germline.

GeneDx
Classification: Benign. Last evaluated: 2020-04-21. Review status: criteria provided, single submitter. Criteria: GeneDx Variant Classification Process June 2021. Collection method: clinical testing. Allele origin: germline. Affected: yes.

Ambry Genetics
Classification: Benign for Inborn genetic diseases. Last evaluated: 2019-03-09. Review status: criteria provided, single submitter. Criteria: Ambry Variant Classification Scheme 2023. Collection method: clinical testing. Allele origin: germline.

PreventionGenetics, part of Exact Sciences
Classification: Likely benign for DYNC1H1-related condition. Last evaluated: 2022-07-20. Review status: no assertion criteria provided. Collection method: clinical testing. Allele origin: germline. Not counted in ClinVar's aggregate classification.
Comment: This variant is classified as likely benign based on ACMG/AMP sequence variant interpretation guidelines (Richards et al. 2015 PMID: 25741868, with internal and published modifications).